The following is an entry in ClinVar:

NM_002291.3(LAMB1):c.519G>A (p.Ser173=)

Gene: LAMB1 (laminin subunit beta 1; minus strand). Cytogenetic location: 7q31.1.
Variant type: single nucleotide variant.
Coding change: c.519G>A on transcript NM_002291.3 (MANE Select); coding-DNA position 519, G replaced by A.
Protein change: p.Ser173=; no amino-acid change (serine 173 retained).
Molecular consequence: synonymous variant.
Genome position (GRCh38, 1-based): chr7:107,986,268, C>T on the plus strand (G>A on the coding strand, the complement: LAMB1 is on the minus strand). VCF-style: chr7-107986268-C-T. GRCh37 (hg19) VCF-style: chr7-107626713-C-T.
Identifiers: ClinVar variation 4681785 (VCV004681785.5).
Genomic context (GRCh38, chr7:107,986,268, plus strand): 5'-TCGAGAATCACAAATTATGTCATCGACTTTTTTCATGGGGCCAGTTGAAATGCCTGGAAA[C>T]GAGGCCTCACAGTCATAGGCGAAGTATCTATACACACCCCAGGTTTTCCCAAAGTCGGAC-3'
Protein context (NP_002282.2, residues 163-183): YRYFAYDCEA[Ser173=]FPGISTGPMK

ClinVar aggregate classification (germline): Likely benign (1 of 4 stars; one submission).

gnomAD v4.1: 19 of 1,613,936 alleles (0.0012%); highest among the groups gnomAD compares: Middle Eastern, 0.016%; no homozygotes.

Submission:

CeGaT Center for Human Genetics Tuebingen
Classification: Likely benign. Last evaluated: 2025-12-01. Review status: criteria provided, single submitter. Criteria: CeGaT Center For Human Genetics Tuebingen Variant Classification Criteria Version 2. Collection method: clinical testing. Allele origin: germline. Affected: yes. Observed: 1 variant allele.
Comment: LAMB1: BP4, BP7